The following is an entry in ClinVar:

ClinVar aggregate classification (germline): Benign/Likely benign. Review status: criteria provided, multiple submitters, no conflicts (2 of 4 stars). 7 submissions from 7 submitters: Benign (4); Likely benign (2). 1 of the submissions does not count toward it. Last evaluated 2025-12-01.

Conditions:
GPC3-related disorder. Also called: GPC3-related condition.
Inborn genetic diseases. Identifiers: MedGen C0950123, MeSH D030342.
Wilms tumor 1 (WT1). Also called: Wilms tumor, somatic. Identifiers: Orphanet 654, MedGen CN033288, MONDO:0008679, OMIM 194070.

Allele frequency attached by ClinVar (database versions not stated): gnomAD exomes 0.00006 and 0.00023; ExAC 0.00018; gnomAD 0.00032; 1000 Genomes Project 30x 0.00042; TOPMed 0.00049; 1000 Genomes Project 0.00053; ESP Exome Variant Server 0.00057.
gnomAD v4.1: 108 of 1,209,579 alleles (0.0089%); highest among the groups gnomAD compares: African/African-American, 0.094%; no homozygotes.

Submissions (7):

CeGaT Center for Human Genetics Tuebingen
Classification: Likely benign. Last evaluated: 2025-12-01. Review status: criteria provided, single submitter. Criteria: CeGaT Center For Human Genetics Tuebingen Variant Classification Criteria Version 2. Collection method: clinical testing. Allele origin: germline. Affected: yes. Observed: 1 variant allele.
Comment: GPC3: BP4, BP7, BS2

Labcorp Genetics (formerly Invitae), Labcorp
Classification: Benign for Wilms tumor 1. Last evaluated: 2025-12-01. Review status: criteria provided, single submitter. Criteria: Invitae Variant Classification Sherloc (09022015). Collection method: clinical testing. Allele origin: germline.

Blueprint Genetics
Classification: Likely benign. Last evaluated: 2022-10-28. Review status: criteria provided, single submitter. Criteria: ACMG Guidelines, 2015. Collection method: clinical testing. Allele origin: germline.

GeneDx
Classification: Benign. Last evaluated: 2020-06-30. Review status: criteria provided, single submitter. Criteria: GeneDx Variant Classification Process June 2021. Collection method: clinical testing. Allele origin: germline. Affected: yes.

Ambry Genetics
Classification: Benign for Inborn genetic diseases. Last evaluated: 2017-09-06. Review status: criteria provided, single submitter. Criteria: Ambry Variant Classification Scheme 2023. Collection method: clinical testing. Allele origin: germline.

Breakthrough Genomics
Classification: Benign. Review status: criteria provided, single submitter. Criteria: ACMG Guidelines, 2015. Collection method: not provided. Allele origin: germline. Inheritance: X-linked inheritance. Affected: yes.

PreventionGenetics, part of Exact Sciences
Classification: Likely benign for GPC3-related condition. Last evaluated: 2022-05-27. Review status: no assertion criteria provided. Collection method: clinical testing. Allele origin: germline. Not counted in ClinVar's aggregate classification.
Comment: This variant is classified as likely benign based on ACMG/AMP sequence variant interpretation guidelines (Richards et al. 2015 PMID: 25741868, with internal and published modifications).

NM_004484.4(GPC3):c.1254C>T (p.Asn418=)

Gene: GPC3 (glypican 3; minus strand). Cytogenetic location: Xq26.2.
Variant type: single nucleotide variant.
Coding change: c.1254C>T on transcript NM_004484.4 (MANE Select); coding-DNA position 1254, C replaced by T.
Protein change: p.Asn418=; no amino-acid change (asparagine 418 retained).
Molecular consequence: synonymous variant.
Genome position (GRCh38, 1-based): chrX:133,692,407, G>A on the plus strand (C>T on the coding strand, the complement: GPC3 is on the minus strand). VCF-style: chrX-133692407-G-A. GRCh37 (hg19) VCF-style: chrX-132826435-G-A.
Other names: c.1323C>T, p.Asn441= (NM_001164617.2); c.1206C>T, p.Asn402= (NM_001164618.2); c.1092C>T, p.Asn364= (NM_001164619.2).
Identifiers: ClinVar variation 415274 (VCV000415274.24), dbSNP rs150766741, ClinGen allele CA10520697.